The following is an entry in ClinVar:

NM_017777.4(MKS1):c.787T>C (p.Tyr263His)

Gene: MKS1 (MKS transition zone complex subunit 1; minus strand). Cytogenetic location: 17q22.
Variant type: single nucleotide variant.
Coding change: c.787T>C on transcript NM_017777.4 (MANE Select); coding-DNA position 787, T replaced by C.
Protein change: p.Tyr263His; replaces tyrosine 263 with histidine.
Molecular consequence: missense variant.
Genome position (GRCh38, 1-based): chr17:58,213,053, A>G on the plus strand (T>C on the coding strand, the complement: MKS1 is on the minus strand). VCF-style: chr17-58213053-A-G. GRCh37 (hg19) VCF-style: chr17-56290414-A-G.
Other names: c.178T>C, p.Tyr60His (NM_001321268.2); c.787T>C, p.Tyr263His (NM_001321269.2, NM_001330397.2); short protein forms Y60H, Y263H.
Identifiers: ClinVar variation 638836 (VCV000638836.9), dbSNP rs1597991801, ClinGen allele CA400326471.

ClinVar aggregate classification (germline): Uncertain significance (1 of 4 stars; one submission).

Conditions:
Meckel-Gruber syndrome. Also called: Dysencephalia splachnocystica; DYSENCEPHALIA SPLANCHNOCYSTICA; GRUBER SYNDROME. Identifiers: Orphanet 564, MedGen C0265215, MONDO:0018921.
Joubert syndrome. Also called: Familial aplasia of the vermis; CEREBELLOPARENCHYMAL DISORDER IV; JOUBERT-BOLTSHAUSER SYNDROME. Identifiers: Orphanet 475, MedGen C5979921, MONDO:0018772.

Allele frequency attached by ClinVar (database versions not stated): gnomAD exomes below 0.00001.
gnomAD v4.1: 1 of 1,614,058 alleles (0.000062%); highest among the groups gnomAD compares: East Asian, 0.0022%; no homozygotes.

Submission:

Labcorp Genetics (formerly Invitae), Labcorp
Classification: Uncertain significance for Joubert syndrome; Meckel-Gruber syndrome. Last evaluated: 2023-08-17. Review status: criteria provided, single submitter. Criteria: Invitae Variant Classification Sherloc (09022015). Collection method: clinical testing. Allele origin: germline.
Comment: In summary, the available evidence is currently insufficient to determine the role of this variant in disease. Therefore, it has been classified as a Variant of Uncertain Significance. Advanced modeling of protein sequence and biophysical properties (such as structural, functional, and spatial information, amino acid conservation, physicochemical variation, residue mobility, and thermodynamic stability) performed at Invitae indicates that this missense variant is expected to disrupt MKS1 protein function. ClinVar contains an entry for this variant (Variation ID: 638836). This variant has not been reported in the literature in individuals affected with MKS1-related conditions. This variant is not present in population databases (gnomAD no frequency). This sequence change replaces tyrosine, which is neutral and polar, with histidine, which is basic and polar, at codon 263 of the MKS1 protein (p.Tyr263His).